The following is an entry in ClinVar:

NM_001267550.2(TTN):c.85003T>G (p.Ser28335Ala)

Genes: TTN-AS1 (TTN antisense RNA 1; plus strand), TTN (titin; minus strand). Cytogenetic location: 2q31.2.
Variant type: single nucleotide variant.
Coding change: c.85003T>G on transcript NM_001267550.2 (MANE Select); coding-DNA position 85003, T replaced by G.
Protein change: p.Ser28335Ala; replaces serine 28335 with alanine.
Molecular consequence: missense variant.
Genome position (GRCh38, 1-based): chr2:178,561,129, A>C on the plus strand (T>G on the coding strand, the complement: TTN is on the minus strand). VCF-style: chr2-178561129-A-C. GRCh37 (hg19) VCF-style: chr2-179425856-A-C.
Other names: c.80080T>G, p.Ser26694Ala (NM_001256850.1); c.57808T>G, p.Ser19270Ala (NM_003319.4); c.77299T>G, p.Ser25767Ala (NM_133378.4); c.58183T>G, p.Ser19395Ala (NM_133432.3); c.58384T>G, p.Ser19462Ala (NM_133437.4); short protein forms S19462A, S25767A, S26694A, S28335A, S19395A, S19270A.
Identifiers: ClinVar variation 893701 (VCV000893701.5), dbSNP rs147895770, ClinGen allele CA1988710.
Genomic context (GRCh38, chr2:178,561,129, plus strand): 5'-GAGGCTCAACATCATCTTTAACTATAATAGGCCCAGTGGATTCAGATGGCTCACTAACTG[A>C]GTCAGCAGCATTCCTTGCAAAAACCCGGAATTCATAACGCTGATCTTCAGTAAGTTCAGT-3'
Protein context (NP_001254479.2, residues 28325-28345): FRVFARNAAD[Ser28335Ala]VSEPSESTGP

ClinVar aggregate classification (germline): Conflicting classifications of pathogenicity. Review status: criteria provided, conflicting classifications (1 of 4 stars). 6 submissions from 2 submitters: Uncertain significance (5); Likely benign (1). Last evaluated 2023-06-12.

Conditions:
Early-onset myopathy with fatal cardiomyopathy (CMYO5). Also called: CONGENITAL MYOPATHY 5 WITH CARDIOMYOPATHY; Salih Myopathy. Identifiers: Orphanet 289377, MedGen C2673677, MONDO:0012714, OMIM 611705. Disease mechanism: loss of function.
Autosomal recessive limb-girdle muscular dystrophy type 2J (LGMDR10). Also called: Limb-girdle muscular dystrophy, type 2J; MUSCULAR DYSTROPHY, LIMB-GIRDLE, AUTOSOMAL RECESSIVE 10. Identifiers: Orphanet 140922, MedGen C1837342, MONDO:0012127, OMIM 608807.
Myopathy, myofibrillar, 9, with early respiratory failure (MFM9). Also called: EDSTROM MYOPATHY; MYOPATHY, PROXIMAL, WITH EARLY RESPIRATORY MUSCLE INVOLVEMENT; Myopathy, distal, with early respiratory failure, autosomal dominant; Hereditary myopathy with early respiratory failure. Identifiers: Orphanet 178464, Orphanet 34521, MedGen C1863599, MONDO:0011362, OMIM 603689.
Tibial muscular dystrophy (TMD). Also called: Tibial muscular dystrophy, tardive; UDD MYOPATHY; Udd Distal Myopathy – Tibial Muscular Dystrophy. Identifiers: Orphanet 609, MedGen C1838244, MONDO:0010870, OMIM 600334.
Dilated cardiomyopathy 1G (CMD1G). Identifiers: Orphanet 154, MedGen C1858763, MONDO:0011400, OMIM 604145.

Allele frequency attached by ClinVar (database versions not stated): gnomAD exomes below 0.00001 and 0.00004; TOPMed below 0.00001; gnomAD 0.00001 and 0.00005; ExAC 0.00002; 1000 Genomes Project 30x 0.00016; 1000 Genomes Project 0.00020.
gnomAD v4.1: 68 of 1,613,818 alleles (0.0042%); highest among the groups gnomAD compares: East Asian, 0.15%; no homozygotes.

Submissions (6):

Women's Health and Genetics/Laboratory Corporation of America, LabCorp
Classification: Likely benign. Last evaluated: 2023-06-12. Review status: criteria provided, single submitter. Criteria: LabCorp Variant Classification Summary - May 2015. Collection method: clinical testing. Allele origin: germline.
Comment: Variant summary: TTN c.77299T>G (p.Ser25767Ala) results in a conservative amino acid change located in the A-band region of the encoded protein sequence. Four of five in-silico tools predict a benign effect of the variant on protein function. The variant allele was found at a frequency of 0.00092 in 325904 control chromosomes (gnomAD and jMorp databases (Tadaka_2021)). The observed variant frequency is approximately 2.36 fold of the estimated maximal expected allele frequency for a pathogenic variant in TTN causing Dilated Cardiomyopathy phenotype (0.00039), strongly suggesting that the variant is benign. c.77299T>G has been reported in the literature in at least one individual affected with Tetralogy of Fallot (e.g., Nishi_2016), however without strong evidence for causality (i.e., lack of segregation with disease). This report therefore does not provide unequivocal conclusions about association of the variant with Dilated Cardiomyopathy. To our knowledge, no experimental evidence demonstrating an impact on protein function has been reported. The following publications have been ascertained in the context of this evaluation (PMID: 27566442, 33179747). One ClinVar submitter (evaluation after 2014) has cited the variant, and the submitter classified the variant as uncertain significance. Based on the evidence outlined above, the variant was classified as likely benign.

Illumina Laboratory Services, Illumina
Classification: Uncertain significance for Early-onset myopathy with fatal cardiomyopathy. Last evaluated: 2018-01-12. Review status: criteria provided, single submitter. Criteria: ICSL Variant Classification Criteria 13 December 2019. Collection method: clinical testing. Allele origin: germline.

Illumina Laboratory Services, Illumina
Classification: Uncertain significance for Tibial muscular dystrophy. Last evaluated: 2018-01-12. Review status: criteria provided, single submitter. Criteria: ICSL Variant Classification Criteria 13 December 2019. Collection method: clinical testing. Allele origin: germline.

Illumina Laboratory Services, Illumina
Classification: Uncertain significance for Myopathy, myofibrillar, 9, with early respiratory failure. Last evaluated: 2018-01-12. Review status: criteria provided, single submitter. Criteria: ICSL Variant Classification Criteria 13 December 2019. Collection method: clinical testing. Allele origin: germline.

Illumina Laboratory Services, Illumina
Classification: Uncertain significance for Dilated cardiomyopathy 1G. Last evaluated: 2018-01-12. Review status: criteria provided, single submitter. Criteria: ICSL Variant Classification Criteria 13 December 2019. Collection method: clinical testing. Allele origin: germline.

Illumina Laboratory Services, Illumina
Classification: Uncertain significance for Autosomal recessive limb-girdle muscular dystrophy type 2J. Last evaluated: 2018-01-12. Review status: criteria provided, single submitter. Criteria: ICSL Variant Classification Criteria 13 December 2019. Collection method: clinical testing. Allele origin: germline.

Literature cited by the submitters: PubMed 33179747 (cited by Women's Health and Genetics/Laboratory Corporation of America, LabCorp); PubMed 27566442 (cited by Women's Health and Genetics/Laboratory Corporation of America, LabCorp).